The following is an entry in ClinVar:

ClinVar aggregate classification (germline): Uncertain significance (1 of 4 stars; one submission).

Conditions:
Atypical hemolytic-uremic syndrome. Identifiers: Orphanet 2134, MedGen C2931788, MONDO:0016244.

gnomAD v4.1: 1 of 1,614,128 alleles (0.000062%); highest among the groups gnomAD compares: Non-Finnish European, 0.000085%; no homozygotes.

Submission:

Genomenon, Inc
Classification: Uncertain significance for Atypical hemolytic-uremic syndrome. Last evaluated: 2025-09-26. Review status: criteria provided, single submitter. Criteria: Genomenon Sequence Variant Interpretation Standards - Updated. Collection method: curation. Allele origin: germline. Affected: yes.
Comment: CFB p.Asn340Tyr (c.1018A>T) is a missense variant that changes the amino acid at residue 340 from Asparagine to Tyrosine. This variant has been observed in at least one proband affected with atypical hemolytic-uremic syndrome (PMID:36845135). Functional studies have been reported; however, the significance of the findings remain unclear (PMID:36845135). It is absent or not present at a significant frequency in gnomAD. In conclusion, we classify CFB p.Asn340Tyr (c.1018A>T) as a variant of uncertain significance.

Literature cited by the submitters: PubMed 36845135.

NM_001710.6(CFB):c.1018A>T (p.Asn340Tyr)

Gene: CFB (complement factor B; plus strand). Cytogenetic location: 6p21.33.
Variant type: single nucleotide variant.
Coding change: c.1018A>T on transcript NM_001710.6 (MANE Select); coding-DNA position 1018, A replaced by T.
Protein change: p.Asn340Tyr; replaces asparagine 340 with tyrosine.
Molecular consequence: missense variant.
Genome position (GRCh38, 1-based): chr6:31,948,494, A>T. VCF-style: chr6-31948494-A-T. GRCh37 (hg19) VCF-style: chr6-31916271-A-T.
Other names: short protein forms N340Y.
Identifiers: ClinVar variation 4280402 (VCV004280402.1).